The following is an entry in ClinVar:

NM_024580.6(EFL1):c.1747C>T (p.Leu583=)

Gene: EFL1 (elongation factor like GTPase 1; minus strand). Cytogenetic location: 15q25.2.
Variant type: single nucleotide variant.
Coding change: c.1747C>T on transcript NM_024580.6 (MANE Select); coding-DNA position 1747, C replaced by T.
Protein change: p.Leu583=; no amino-acid change (leucine 583 retained).
Molecular consequence: synonymous variant. On other transcripts: non-coding transcript variant (1).
Genome position (GRCh38, 1-based): chr15:82,214,720, G>A on the plus strand (C>T on the coding strand, the complement: EFL1 is on the minus strand). VCF-style: chr15-82214720-G-A. GRCh37 (hg19) VCF-style: chr15-82507061-G-A.
Other names: c.1747C>T (NM_024580.5); c.1594C>T, p.Leu532= (NM_001040610.3); c.958C>T, p.Leu320= (NM_001322844.2); c.1747C>T, p.Leu583= (NM_001322845.2).
Identifiers: ClinVar variation 740200 (VCV000740200.7), dbSNP rs370590853, ClinGen allele CA7697906.

ClinVar aggregate classification (germline): Likely benign. Review status: criteria provided, multiple submitters, no conflicts (2 of 4 stars). 3 submissions from 3 submitters: Likely benign (2). 1 of the submissions does not count toward it. Last evaluated 2024-11-11.

Conditions:
EFL1-related disorder. Also called: EFL1-related condition.

Allele frequency attached by ClinVar (database versions not stated): gnomAD 0.00004 and 0.00007; TOPMed 0.00007; gnomAD exomes 0.00011 and 0.00022; 1000 Genomes Project 30x 0.00016; ESP Exome Variant Server 0.00017; ExAC 0.00029.
gnomAD v4.1: 167 of 1,563,604 alleles (0.011%); highest among the groups gnomAD compares: South Asian, 0.11%; 2 homozygotes.

Submissions (3):

Blueprint Genetics
Classification: Likely benign. Last evaluated: 2024-11-11. Review status: criteria provided, single submitter. Criteria: ACMG Guidelines, 2015. Collection method: clinical testing. Allele origin: germline.

Labcorp Genetics (formerly Invitae), Labcorp
Classification: Likely benign. Last evaluated: 2019-12-31. Review status: criteria provided, single submitter. Criteria: Invitae Variant Classification Sherloc (09022015). Collection method: clinical testing. Allele origin: germline.

PreventionGenetics, part of Exact Sciences
Classification: Likely benign for EFL1-related condition. Last evaluated: 2021-11-22. Review status: no assertion criteria provided. Collection method: clinical testing. Allele origin: germline. Not counted in ClinVar's aggregate classification.
Comment: This variant is classified as likely benign based on ACMG/AMP sequence variant interpretation guidelines (Richards et al. 2015 PMID: 25741868, with internal and published modifications).